The following is an entry in ClinVar:

ClinVar aggregate classification (germline): Conflicting classifications of pathogenicity. Review status: criteria provided, conflicting classifications (1 of 4 stars). 3 submissions from 3 submitters: Likely pathogenic (1); Uncertain significance (1). 1 of the submissions does not count toward it. Last evaluated 2021-09-01.

Conditions:
Retinal dystrophy. Also called: Inherited retinal dystrophy. Identifiers: Orphanet 71862, MedGen C0854723, MeSH D058499, MONDO:0019118, HP:0000556.
C21ORF2-related disorders.

Allele frequency attached by ClinVar (database versions not stated): ExAC 0.00001; gnomAD exomes 0.00002 and 0.00003; gnomAD 0.00003 and 0.00004; TOPMed 0.00003.
gnomAD v4.1: 52 of 1,609,452 alleles (0.0032%); highest among the groups gnomAD compares: Non-Finnish European, 0.0038%; no homozygotes.

Submissions (3):

Labcorp Genetics (formerly Invitae), Labcorp
Classification: Uncertain significance. Last evaluated: 2021-09-01. Review status: criteria provided, single submitter. Criteria: Invitae Variant Classification Sherloc (09022015). Collection method: clinical testing. Allele origin: germline.
Comment: This sequence change replaces arginine with histidine at codon 108 of the CFAP410 protein (p.Arg108His). The arginine residue is highly conserved and there is a small physicochemical difference between arginine and histidine. This variant is present in population databases (rs754351767, ExAC 0.01%). This variant has not been reported in the literature in individuals affected with CFAP410-related conditions. Algorithms developed to predict the effect of missense changes on protein structure and function (SIFT, PolyPhen-2, Align-GVGD) all suggest that this variant is likely to be disruptive. In summary, the available evidence is currently insufficient to determine the role of this variant in disease. Therefore, it has been classified as a Variant of Uncertain Significance.

Blueprint Genetics
Classification: Likely pathogenic for C21ORF2-related disorders. Last evaluated: 2021-03-23. Review status: criteria provided, single submitter. Criteria: ACMG Guidelines, 2015. Collection method: clinical testing. Allele origin: germline. Affected: yes. Observed: 2 variant alleles.

Institute of Human Genetics, Univ. Regensburg, Univ. Regensburg
Classification: Uncertain significance for Retinal dystrophy. Last evaluated: 2022-01-01. Review status: no assertion criteria provided. Criteria: ACMG Guidelines, 2015. Collection method: clinical testing. Allele origin: germline. Affected: yes. Not counted in ClinVar's aggregate classification.

NM_004928.3(CFAP410):c.323G>A (p.Arg108His)

Gene: CFAP410 (cilia and flagella associated protein 410; minus strand). Cytogenetic location: 21q22.3.
Variant type: single nucleotide variant.
Coding change: c.323G>A on transcript NM_004928.3 (MANE Select); coding-DNA position 323, G replaced by A.
Protein change: p.Arg108His; replaces arginine 108 with histidine.
Molecular consequence: missense variant.
Genome position (GRCh38, 1-based): chr21:44,333,083, C>T on the plus strand (G>A on the coding strand, the complement: CFAP410 is on the minus strand). VCF-style: chr21-44333083-C-T. GRCh37 (hg19) VCF-style: chr21-45752966-C-T.
Other names: c.323G>A, p.Arg108His (NM_001271440.2, NM_001271441.2); c.200G>A, p.Arg67His (NM_001271442.1); short protein forms R108H, R67H.
Identifiers: ClinVar variation 1042233 (VCV001042233.8), dbSNP rs754351767, ClinGen allele CA10053726.